The following is an entry in ClinVar:

ClinVar aggregate classification (germline): Conflicting classifications of pathogenicity. Review status: criteria provided, conflicting classifications (1 of 4 stars). 2 submissions from 2 submitters: Uncertain significance (1); Likely benign (1). Last evaluated 2025-12-12.

Conditions:
Hereditary spastic paraplegia 15 (SPG15). Also called: SPASTIC PARAPLEGIA 15, AUTOSOMAL RECESSIVE; KJELLIN SYNDROME; SPASTIC PARAPLEGIA AND RETINAL DEGENERATION. Identifiers: Orphanet 100996, MedGen C1849128, MONDO:0010044, OMIM 270700.
Spastic paraplegia. Identifiers: MedGen C0037772, HP:0001258.

Allele frequency attached by ClinVar (database versions not stated): gnomAD 0.00007 and 0.00008; TOPMed 0.00017; gnomAD exomes 0.00021 and 0.00049; ExAC 0.00043.
gnomAD v4.1: 136 of 1,613,538 alleles (0.0084%); highest among the groups gnomAD compares: Admixed American, 0.23%; no homozygotes.

Submissions (2):

Labcorp Genetics (formerly Invitae), Labcorp
Classification: Likely benign for Spastic paraplegia. Last evaluated: 2025-12-12. Review status: criteria provided, single submitter. Criteria: Invitae Variant Classification Sherloc (09022015). Collection method: clinical testing. Allele origin: germline.

Baylor Genetics
Classification: Uncertain significance for Hereditary spastic paraplegia 15. Last evaluated: 2019-01-07. Review status: criteria provided, single submitter. Criteria: ACMG Guidelines, 2015. Collection method: clinical testing. Allele origin: unknown. Affected: yes.
Comment: This variant was determined to be of uncertain significance according to ACMG Guidelines, 2015 [PMID:25741868].

NM_015346.4(ZFYVE26):c.4974+5G>A

Gene: ZFYVE26 (zinc finger FYVE-type containing 26; minus strand). Cytogenetic location: 14q24.1.
Variant type: single nucleotide variant.
Coding change: c.4974+5G>A on transcript NM_015346.4 (MANE Select); 5 bases into the intron after coding-DNA position 4974, G replaced by A.
Molecular consequence: intron variant.
Genome position (GRCh38, 1-based): chr14:67,777,554, C>T on the plus strand (G>A on the coding strand, the complement: ZFYVE26 is on the minus strand). VCF-style: chr14-67777554-C-T. GRCh37 (hg19) VCF-style: chr14-68244271-C-T.
Identifiers: ClinVar variation 696539 (VCV000696539.11), dbSNP rs757204134, ClinGen allele CA7239632.